The following is an entry in ClinVar:

ClinVar aggregate classification (germline): Uncertain significance (1 of 4 stars; one submission).

Conditions:
ADNP-related multiple congenital anomalies - intellectual disability - autism spectrum disorder. Also called: ADNP-Related Helsmoortel-Van der Aa Syndrome; Helsmoortel-Van der Aa Syndrome. Identifiers: Orphanet 404448, MedGen C4014538, MONDO:0014379, OMIM 615873. Disease mechanism: loss of function.

Allele frequency attached by ClinVar (database versions not stated): gnomAD exomes below 0.00001; ExAC 0.00001.
gnomAD v4.1: 1 of 1,601,566 alleles (0.000062%); highest among the groups gnomAD compares: Non-Finnish European, 0.000085%; no homozygotes.

Submission:

Centre for Mendelian Genomics, University Medical Centre Ljubljana
Classification: Uncertain significance for ADNP-related multiple congenital anomalies - intellectual disability - autism spectrum disorder. Last evaluated: 2019-10-24. Review status: criteria provided, single submitter. Criteria: ACMG Guidelines, 2015. Collection method: clinical testing. Allele origin: unknown. Affected: yes.
Comment: This variant was classified as: Uncertain significance. The available evidence on this variant's pathogenicity is insufficient or conflicting. The following ACMG criteria were applied in classifying this variant: PM2,PP3,BP1.

NM_001282531.3(ADNP):c.3304G>A (p.Ala1102Thr)

Gene: ADNP (activity dependent neuroprotector homeobox; minus strand). Cytogenetic location: 20q13.13.
Variant type: single nucleotide variant.
Coding change: c.3304G>A on transcript NM_001282531.3 (MANE Select); coding-DNA position 3304, G replaced by A.
Protein change: p.Ala1102Thr; replaces alanine 1102 with threonine.
Molecular consequence: missense variant.
Genome position (GRCh38, 1-based): chr20:50,891,410, C>T on the plus strand (G>A on the coding strand, the complement: ADNP is on the minus strand). VCF-style: chr20-50891410-C-T. GRCh37 (hg19) VCF-style: chr20-49507947-C-T.
Other names: c.3304G>A, p.Ala1102Thr (NM_001282532.2, NM_001347511.2, NM_015339.5 and 1 more transcripts); short protein forms A1102T.
Identifiers: ClinVar variation 931701 (VCV000931701.3), dbSNP rs750407672, ClinGen allele CA9908411.
Genomic context (GRCh38, chr20:50,891,410, plus strand): 5'-CTGGATATCAGAGTTCCAGGCTGCAGCATGTCACCAACGCCAGGGAACCTGGCACTTAGG[C>T]CTGTTGGCTGCTCAGTTTAACTCCGGCTAAGCTGCCATGCATGGGCTCAGCTACTCCATC-3'
Protein context (NP_001269460.1, residues 1092-1102): LAGVKLSSQQ[Ala1102Thr]